The following is an entry in ClinVar:

ClinVar aggregate classification (germline): Conflicting classifications of pathogenicity. Review status: criteria provided, conflicting classifications (1 of 4 stars). 3 submissions from 3 submitters: Likely pathogenic (1); Uncertain significance (2). Last evaluated 2024-02-27.

Conditions:
Neurofibromatosis, type 1 (NF1). Also called: Neurofibromatosis, type I; Peripheral type neurofibromatosis; VON RECKLINGHAUSEN DISEASE; NEUROFIBROMATOSIS, TYPE I, SOMATIC. Identifiers: Orphanet 636, MedGen C0027831, MONDO:0018975, OMIM 162200. Disease mechanism: loss of function.

Submissions (3):

GeneDx
Classification: Likely pathogenic. Last evaluated: 2024-02-27. Review status: criteria provided, single submitter. Criteria: GeneDx Variant Classification Process June 2021. Collection method: clinical testing. Allele origin: germline. Affected: yes.
Comment: In-frame deletion of 1 amino acids in a non-repeat region predicted to critically alter the protein; In silico analysis supports a deleterious effect on protein structure/function; Published functional studies suggest a damaging effect on dendritic spinogenesis (PMID: 22105171); Not observed at significant frequency in large population cohorts (gnomAD); This variant is associated with the following publications: (PMID: 16835897, 22105171)

ARUP Laboratories, Molecular Genetics and Genomics, ARUP Laboratories
Classification: Uncertain significance. Last evaluated: 2023-08-14. Review status: criteria provided, single submitter. Criteria: ARUP Molecular Germline Variant Investigation Process 2024. Collection method: clinical testing. Allele origin: germline.
Comment: The NF1 c.4822_4824del; p.Tyr1608del variant, also known as NM_000267.3: c.4759_4761del p.Tyr1587del, is reported in the literature in an individual with NF1 (Lee 2006). This variant is absent from the Genome Aggregation Database, indicating it is not a common polymorphism. This variant deletes a single tyrosine residue leaving the rest of the protein in-frame. Due to limited information, the clinical significance of this variant is uncertain at this time. References: Lee MJ et al. Identification of forty-five novel and twenty-three known NF1 mutations in Chinese patients with neurofibromatosis type 1. Hum Mutat. 2006 Aug;27(8):832. PMID: 16835897.

Labcorp Genetics (formerly Invitae), Labcorp
Classification: Uncertain significance for Neurofibromatosis, type 1. Last evaluated: 2022-12-09. Review status: criteria provided, single submitter. Criteria: Invitae Variant Classification Sherloc (09022015). Collection method: clinical testing. Allele origin: germline.
Comment: This variant has been observed in individual(s) with NF1-related conditions (PMID: 16835897, 22105171). This variant is not present in population databases (gnomAD no frequency). This variant, c.4759_4761del, results in the deletion of 1 amino acid(s) of the NF1 protein (p.Tyr1587del), but otherwise preserves the integrity of the reading frame. Experimental studies have shown that this variant affects NF1 function (PMID: 22105171). Algorithms developed to predict the effect of variants on protein structure and function are not available or were not evaluated for this variant. In summary, the available evidence is currently insufficient to determine the role of this variant in disease. Therefore, it has been classified as a Variant of Uncertain Significance.

Literature cited by the submitters: PubMed 16835897 (cited by Labcorp Genetics (formerly Invitae), Labcorp); PubMed 22105171 (cited by Labcorp Genetics (formerly Invitae), Labcorp).

NM_001042492.3(NF1):c.4819TAT[1] (p.Tyr1608del)

Gene: NF1 (neurofibromin 1; plus strand). Cytogenetic location: 17q11.2.
Variant type: Microsatellite.
Coding change: c.4819TAT[1] on transcript NM_001042492.3 (MANE Select); one copy of the 3-base unit TAT starting at c.4819; the reference has two copies in a row; one copy, 3 bases deleted.
Protein change: p.Tyr1608del; deletes tyrosine 1608.
Molecular consequence: inframe deletion. On other transcripts: inframe indel (1).
Genome position (GRCh38, 1-based): chr17:31,265,326-31,265,328, TAT deleted; deleting any 3 consecutive bases within chr17:31,265,322-31,265,328 gives the same sequence; the position shown is the placement nearest the transcript's 3' end. VCF-style (leftmost placement, unchanged base first): chr17-31265321-TTTA-T. GRCh37 (hg19) VCF-style: chr17-29592339-TTTA-T.
Other names: c.4759_4761del (NM_000267.3); c.4756_4758TAT[1], p.Tyr1587del (NM_000267.4); short protein forms Y1608del, Y1587del.
Identifiers: ClinVar variation 2736552 (VCV002736552.5), dbSNP rs2508445730, ClinGen allele CA2576223434.